The following is an entry in ClinVar:

ClinVar aggregate classification (germline): Uncertain significance (1 of 4 stars; one submission).

Allele frequency attached by ClinVar (database versions not stated): gnomAD exomes below 0.00001.
gnomAD v4.1: 1 of 1,612,984 alleles (0.000062%); no homozygotes.

Submission:

CeGaT Center for Human Genetics Tuebingen
Classification: Uncertain significance. Last evaluated: 2023-09-01. Review status: criteria provided, single submitter. Criteria: CeGaT Center For Human Genetics Tuebingen Variant Classification Criteria Version 2. Collection method: clinical testing. Allele origin: germline. Affected: yes. Observed: 1 variant allele.
Comment: TTN: PM2

NM_001267550.2(TTN):c.55987A>C (p.Asn18663His)

Genes: TTN (titin; minus strand), TTN-AS1 (TTN antisense RNA 1; plus strand). Cytogenetic location: 2q31.2.
Variant type: single nucleotide variant.
Coding change: c.55987A>C on transcript NM_001267550.2 (MANE Select); coding-DNA position 55987, A replaced by C.
Protein change: p.Asn18663His; replaces asparagine 18663 with histidine.
Molecular consequence: missense variant.
Genome position (GRCh38, 1-based): chr2:178,600,917, T>G on the plus strand (A>C on the coding strand, the complement: TTN is on the minus strand). VCF-style: chr2-178600917-T-G. GRCh37 (hg19) VCF-style: chr2-179465644-T-G.
Other names: c.51064A>C, p.Asn17022His (NM_001256850.1); c.28792A>C, p.Asn9598His (NM_003319.4); c.48283A>C, p.Asn16095His (NM_133378.4); c.29167A>C, p.Asn9723His (NM_133432.3); c.29368A>C, p.Asn9790His (NM_133437.4); short protein forms N16095H, N17022H, N18663H, N9598H, N9723H, N9790H.
Identifiers: ClinVar variation 2651628 (VCV002651628.24), dbSNP rs1425177371, ClinGen allele CA349535968.